The following is an entry in ClinVar:

ClinVar aggregate classification (germline): Uncertain significance (1 of 4 stars; one submission).

Conditions:
SHH-related disorder. Also called: SHH-related disorders; SHH-related condition.

gnomAD v4.1: 1 of 471,564 alleles (0.00021%); highest among the groups gnomAD compares: African/African-American, 0.002%; no homozygotes.

Submission:

PreventionGenetics, part of Exact Sciences
Classification: Uncertain significance for SHH-related condition. Last evaluated: 2025-08-05. Review status: criteria provided, single submitter. Criteria: ACMG Guidelines, 2015. Collection method: clinical testing. Allele origin: germline.
Comment: The SHH c.504G>A variant is predicted to result in the amino acid substitution p.Met168Ile. To our knowledge, this variant has not been reported in the literature. This variant is reported in 0.014% of alleles in individuals of African descent in gnomAD. Although we suspect that this variant may be benign, at this time, the clinical significance of this variant is uncertain due to the absence of conclusive functional and genetic evidence.

NM_000193.4(SHH):c.*2857G>A

Gene: SHH (sonic hedgehog signaling molecule; minus strand). Cytogenetic location: 7q36.3.
Variant type: single nucleotide variant.
Coding change: c.*2857G>A on transcript NM_000193.4 (MANE Select); 2857 bases downstream of the stop codon, G replaced by A.
Molecular consequence: 3 prime UTR variant. On other transcripts: missense variant (1), non-coding transcript variant (2).
Genome position (GRCh38, 1-based): chr7:155,800,043, C>T on the plus strand (G>A on the coding strand, the complement: SHH is on the minus strand). VCF-style: chr7-155800043-C-T. GRCh37 (hg19) VCF-style: chr7-155592737-C-T.
Other names: c.504G>A, p.Met168Ile (NM_001310462.2); short protein forms M168I.
Identifiers: ClinVar variation 5000627 (VCV005000627.1).